The following is an entry in ClinVar:

ClinVar aggregate classification (germline): Conflicting classifications of pathogenicity. Review status: criteria provided, conflicting classifications (1 of 4 stars). 4 submissions from 4 submitters: Uncertain significance (1); Likely benign (3). Last evaluated 2026-01-04.

Conditions:
Peroxisome biogenesis disorder, complementation group K (CGK). Identifiers: MedGen C1866257, MONDO:0800365.

Allele frequency attached by ClinVar (database versions not stated): TOPMed 0.00002; gnomAD 0.00004 and 0.00006; 1000 Genomes Project 30x 0.00047; 1000 Genomes Project 0.00060.
gnomAD v4.1: 22 of 1,607,550 alleles (0.0014%); highest among the groups gnomAD compares: African/African-American, 0.027%; no homozygotes.

Submissions (4):

Labcorp Genetics (formerly Invitae), Labcorp
Classification: Likely benign for Peroxisome biogenesis disorder, complementation group K. Last evaluated: 2026-01-04. Review status: criteria provided, single submitter. Criteria: Invitae Variant Classification Sherloc (09022015). Collection method: clinical testing. Allele origin: germline.

CeGaT Center for Human Genetics Tuebingen
Classification: Likely benign. Last evaluated: 2026-01-01. Review status: criteria provided, single submitter. Criteria: CeGaT Center For Human Genetics Tuebingen Variant Classification Criteria Version 2. Collection method: clinical testing. Allele origin: germline. Affected: yes. Observed: 1 variant allele.
Comment: PEX14: BP4, BP7

Blueprint Genetics
Classification: Likely benign. Last evaluated: 2022-08-23. Review status: criteria provided, single submitter. Criteria: ACMG Guidelines, 2015. Collection method: clinical testing. Allele origin: germline.

Eurofins Ntd Llc (ga)
Classification: Uncertain significance. Last evaluated: 2017-10-04. Review status: criteria provided, single submitter. Criteria: EGL Classification Definitions 2015. Collection method: clinical testing. Allele origin: germline. Observed: 1 variant allele, 1 heterozygote.

NM_004565.3(PEX14):c.996T>C (p.Asp332=)

Gene: PEX14 (peroxisomal biogenesis factor 14; plus strand). Cytogenetic location: 1p36.22.
Variant type: single nucleotide variant.
Coding change: c.996T>C on transcript NM_004565.3 (MANE Select); coding-DNA position 996, T replaced by C.
Protein change: p.Asp332=; no amino-acid change (aspartic acid 332 retained).
Molecular consequence: synonymous variant.
Genome position (GRCh38, 1-based): chr1:10,629,849, T>C. VCF-style: chr1-10629849-T-C. GRCh37 (hg19) VCF-style: chr1-10689906-T-C.
Identifiers: ClinVar variation 594377 (VCV000594377.17), dbSNP rs201978719, ClinGen allele CA584015.